The following is an entry in ClinVar:

NM_012469.4(PRPF6):c.904C>T (p.Arg302Trp)

Gene: PRPF6 (pre-mRNA processing factor 6; plus strand). Cytogenetic location: 20q13.33.
Variant type: single nucleotide variant.
Coding change: c.904C>T on transcript NM_012469.4 (MANE Select); coding-DNA position 904, C replaced by T.
Protein change: p.Arg302Trp; replaces arginine 302 with tryptophan.
Molecular consequence: missense variant.
Genome position (GRCh38, 1-based): chr20:63,999,640, C>T. VCF-style: chr20-63999640-C-T. GRCh37 (hg19) VCF-style: chr20-62630993-C-T.
Other names: short protein forms R302W.
Identifiers: ClinVar variation 1382346 (VCV001382346.7), dbSNP rs1261847848, ClinGen allele CA409718715.

ClinVar aggregate classification (germline): Uncertain significance. Review status: criteria provided, multiple submitters, no conflicts (2 of 4 stars). 2 submissions from 2 submitters: Uncertain significance (2). Last evaluated 2025-12-27.

Allele frequency attached by ClinVar (database versions not stated): TOPMed 0.00001.
gnomAD v4.1: 4 of 1,614,146 alleles (0.00025%); highest among the groups gnomAD compares: East Asian, 0.0022%; no homozygotes.

Submissions (2):

Labcorp Genetics (formerly Invitae), Labcorp
Classification: Uncertain significance. Last evaluated: 2025-12-27. Review status: criteria provided, single submitter. Criteria: Invitae Variant Classification Sherloc (09022015). Collection method: clinical testing. Allele origin: germline.
Comment: This sequence change replaces arginine, which is basic and polar, with tryptophan, which is neutral and slightly polar, at codon 302 of the PRPF6 protein (p.Arg302Trp). This variant is present in population databases (no rsID available, gnomAD 0.006%). This variant has not been reported in the literature in individuals affected with PRPF6-related conditions. ClinVar contains an entry for this variant (Variation ID: 1382346). Invitae Evidence Modeling of protein sequence and biophysical properties (such as structural, functional, and spatial information, amino acid conservation, physicochemical variation, residue mobility, and thermodynamic stability) indicates that this missense variant is expected to disrupt PRPF6 protein function with a positive predictive value of 80%. In summary, the available evidence is currently insufficient to determine the role of this variant in disease. Therefore, it has been classified as a Variant of Uncertain Significance.

Blueprint Genetics
Classification: Uncertain significance. Last evaluated: 2021-10-15. Review status: criteria provided, single submitter. Criteria: ACMG Guidelines, 2015. Collection method: clinical testing. Allele origin: germline.